The following is an entry in ClinVar:

NM_003413.4(ZIC3):c.971_972delinsAA (p.Gly324Glu)

Gene: ZIC3 (Zic family zinc finger 3; plus strand). Cytogenetic location: Xq26.3.
Variant type: Indel.
Coding change: c.971_972delinsAA on transcript NM_003413.4 (MANE Select); coding-DNA positions 971 to 972, GC replaced by AA.
Protein change: p.Gly324Glu; replaces glycine 324 with glutamic acid.
Molecular consequence: missense variant.
Genome position (GRCh38, 1-based): chrX:137,567,662-137,567,663, GC replaced by AA. VCF-style: chrX-137567662-GC-AA. GRCh37 (hg19) VCF-style: chrX-136649821-GC-AA.
Other names: c.971_972delGCinsAA (NM_003413.3); c.971_972delinsAA, p.Gly324Glu (NM_001330661.1); short protein forms G324E.
Identifiers: ClinVar variation 2500733 (VCV002500733.2), dbSNP rs2521150883, ClinGen allele CA2573131750.

ClinVar aggregate classification (germline): Uncertain significance (1 of 4 stars; one submission).

Conditions:
Heterotaxy, visceral, 1, X-linked (HTX1). Also called: SITUS INVERSUS, COMPLEX CARDIAC DEFECTS, AND SPLENIC DEFECTS, X-LINKED; DEXTROCARDIA WITH OTHER CARDIAC MALFORMATIONS; Laterality, X-linked; Visceral heterotaxia. Identifiers: Orphanet 450, MedGen C1844020, MONDO:0010607, OMIM 306955.

Submission:

Victorian Clinical Genetics Services, Murdoch Childrens Research Institute
Classification: Uncertain significance for Heterotaxy, visceral, 1, X-linked. Last evaluated: 2022-02-02. Review status: criteria provided, single submitter. Criteria: ACMG Guidelines, 2015. Collection method: clinical testing. Allele origin: germline. Inheritance: X-linked recessive inheritance.
Comment: Based on the classification scheme VCGS_Germline_v1.3.4, this variant is classified as VUS-3A. Following criteria are met: 0102 - Loss of function is a known mechanism of disease in this gene and is associated with congenital heart defects, nonsyndromic, 1, (MIM#306955), heterotaxy, visceral, 1 (MIM#306955), and VACTERL association (MIM# 314390). (I) 0109 - This gene is associated with X-linked recessive disease. (I) 0200 - Variant is predicted to result in a missense amino acid change from glycine to glutamic acid. (I) 0253 - This variant is hemizygous. (I) 0301 - Variant is absent from gnomAD (both v2 and v3). (SP) 0502 - Missense variant with conflicting in silico predictions and uninformative conservation. (I) 0603 - Missense variant in a region that is highly intolerant to missense variation (high constraint region in DECIPHER). (SP) 0705 - No comparable missense variants have previous evidence for pathogenicity. (I) 0807 - This variant has no previous evidence of pathogenicity. (I) 0905 - No published segregation evidence has been identified for this variant. (I) 1007 - No published functional evidence has been identified for this variant. (I) Legend: (SP) - Supporting pathogenic, (I) - Information, (SB) - Supporting benign